The following is an entry in ClinVar:

ClinVar aggregate classification (germline): Uncertain significance (1 of 4 stars; one submission).

gnomAD v4.1: 1 of 1,613,984 alleles (0.000062%); highest among the groups gnomAD compares: Non-Finnish European, 0.000085%; no homozygotes.

Submission:

Labcorp Genetics (formerly Invitae), Labcorp
Classification: Uncertain significance. Last evaluated: 2024-10-28. Review status: criteria provided, single submitter. Criteria: Invitae Variant Classification Sherloc (09022015). Collection method: clinical testing. Allele origin: germline.
Comment: This sequence change replaces histidine, which is basic and polar, with tyrosine, which is neutral and polar, at codon 966 of the SETD5 protein (p.His966Tyr). This variant is present in population databases (rs772970208, gnomAD 0.0009%). This variant has not been reported in the literature in individuals affected with SETD5-related conditions. Invitae Evidence Modeling of protein sequence and biophysical properties (such as structural, functional, and spatial information, amino acid conservation, physicochemical variation, residue mobility, and thermodynamic stability) indicates that this missense variant is not expected to disrupt SETD5 protein function with a negative predictive value of 80%. In summary, the available evidence is currently insufficient to determine the role of this variant in disease. Therefore, it has been classified as a Variant of Uncertain Significance.

NM_001080517.3(SETD5):c.2896C>T (p.His966Tyr)

Gene: SETD5 (SET domain containing 5; plus strand). Cytogenetic location: 3p25.3.
Variant type: single nucleotide variant.
Coding change: c.2896C>T on transcript NM_001080517.3 (MANE Select); coding-DNA position 2896, C replaced by T.
Protein change: p.His966Tyr; replaces histidine 966 with tyrosine.
Molecular consequence: missense variant.
Genome position (GRCh38, 1-based): chr3:9,470,630, C>T. VCF-style: chr3-9470630-C-T. GRCh37 (hg19) VCF-style: chr3-9512314-C-T.
Other names: c.2602C>T, p.His868Tyr (NM_001292043.2, NM_001349451.2); short protein forms H868Y, H966Y.
Identifiers: ClinVar variation 3720274 (VCV003720274.2).